The following is an entry in ClinVar:

NC_012920.1(MT-ND5):m.14035T>G

Gene: MT-ND5 (mitochondrially encoded NADH dehydrogenase 5; plus strand).
Variant type: single nucleotide variant.
Genome position: chrM-14035-T-G.
Identifiers: ClinVar variation 693651 (VCV000693651.1), dbSNP rs1556424374, ClinGen allele CA414820605.

ClinVar aggregate classification (germline): Likely benign (1 of 4 stars; one submission).

Conditions:
Leigh syndrome (NULS). Also called: Leigh's necrotizing encephalopathy; Leigh's disease; Leigh's syndrome; LEIGH SYNDROME, NUCLEAR; Leigh Syndrome (mtDNA deletion); Leigh Disease. Identifiers: Orphanet 506, MedGen C2931891, MONDO:0009723, OMIM 256000.

Submission:

Wong Mito Lab, Molecular and Human Genetics, Baylor College of Medicine
Classification: Likely benign for Leigh syndrome. Last evaluated: 2019-10-17. Review status: criteria provided, single submitter. Criteria: Modified ACMG Guidelines (Unpublished). Collection method: clinical testing. Allele origin: germline.
Comment: The NC_012920.1:m.14035T>G (YP_003024036.1:p.Ser567Ala) variant in MTND5 gene is interpretated to be a Likely Benign variant based on the modified ACMG guidelines (unpublished). This variant meets the following evidence codes: BS4, BP4